The following is an entry in ClinVar:

ClinVar aggregate classification (germline): Uncertain significance. Review status: criteria provided, single submitter (1 of 4 stars). 2 submissions from 2 submitters: Uncertain significance (1). 1 of the submissions does not count toward it. Last evaluated 2022-03-29.

Conditions:
Niemann-Pick disease, type C1. Also called: NIEMANN-PICK DISEASE, VARIANT TYPE C1; NEUROVISCERAL STORAGE DISEASE WITH VERTICAL SUPRANUCLEAR OPHTHALMOPLEGIA; NIEMANN-PICK DISEASE WITH CHOLESTEROL ESTERIFICATION BLOCK; NIEMANN-PICK DISEASE WITHOUT SPHINGOMYELINASE DEFICIENCY; NIEMANN-PICK DISEASE, CHRONIC NEURONOPATHIC FORM. Identifiers: Orphanet 646, MedGen C3179455, MONDO:0009757, OMIM 257220.

Allele frequency attached by ClinVar (database versions not stated): gnomAD exomes below 0.00001; TOPMed 0.00001.
gnomAD v4.1: 2 of 1,607,348 alleles (0.00012%); highest among the groups gnomAD compares: Admixed American, 0.0017%; no homozygotes.

Submissions (2):

Labcorp Genetics (formerly Invitae), Labcorp
Classification: Uncertain significance for Niemann-Pick disease, type C1. Last evaluated: 2022-03-29. Review status: criteria provided, single submitter. Criteria: Invitae Variant Classification Sherloc (09022015). Collection method: clinical testing. Allele origin: germline.
Comment: This sequence change replaces glutamic acid, which is acidic and polar, with lysine, which is basic and polar, at codon 742 of the NPC1 protein (p.Glu742Lys). This variant is not present in population databases (gnomAD no frequency). This missense change has been observed in individual(s) with clinical features of Niemann-Pick disease type C (PMID: 12955717, 33258288). ClinVar contains an entry for this variant (Variation ID: 557565). Advanced modeling of protein sequence and biophysical properties (such as structural, functional, and spatial information, amino acid conservation, physicochemical variation, residue mobility, and thermodynamic stability) performed at Invitae indicates that this missense variant is expected to disrupt NPC1 protein function. Algorithms developed to predict the effect of sequence changes on RNA splicing suggest that this variant may create or strengthen a splice site. In summary, the available evidence is currently insufficient to determine the role of this variant in disease. Therefore, it has been classified as a Variant of Uncertain Significance.

Counsyl
Classification: Uncertain significance for Niemann-Pick disease, type C1. Last evaluated: 2018-04-04. Review status: no assertion criteria provided. Collection method: clinical testing. Allele origin: unknown. Not counted in ClinVar's aggregate classification.

Literature cited by the submitters: PubMed 12955717 (cited by Labcorp Genetics (formerly Invitae), Labcorp and Counsyl); PubMed 33258288 (cited by Labcorp Genetics (formerly Invitae), Labcorp).

NM_000271.5(NPC1):c.2224G>A (p.Glu742Lys)

Gene: NPC1 (NPC intracellular cholesterol transporter 1; minus strand). Cytogenetic location: 18q11.2.
Variant type: single nucleotide variant.
Coding change: c.2224G>A on transcript NM_000271.5 (MANE Select); coding-DNA position 2224, G replaced by A.
Protein change: p.Glu742Lys; replaces glutamic acid 742 with lysine.
Molecular consequence: missense variant.
Genome position (GRCh38, 1-based): chr18:23,543,476, C>T on the plus strand (G>A on the coding strand, the complement: NPC1 is on the minus strand). VCF-style: chr18-23543476-C-T. GRCh37 (hg19) VCF-style: chr18-21123440-C-T.
Other names: short protein forms E742K.
Identifiers: ClinVar variation 557565 (VCV000557565.4), dbSNP rs1555634202, ClinGen allele CA401770741.
Genomic context (GRCh38, chr18:23,543,476, plus strand): 5'-AGCAGACTACAGGACTGGTAGGATTGAAAGCATAATTACCTAAGAAAAATGCTACAGTCT[C>T]AGAAAAGGATGACAGGAACATACTGGGAGCCACTTCTCCTAGGACCCTGCCCAGCTGCTG-3'
Protein context (NP_000262.2, residues 732-752): APSMFLSSFS[Glu742Lys]TVAFFLGALS